The following is an entry in ClinVar:

ClinVar aggregate classification (germline): Uncertain significance (1 of 4 stars; one submission).

Submission:

Geisinger Autism and Developmental Medicine Institute, Geisinger Health System
Classification: Uncertain significance. Last evaluated: 2018-03-27. Review status: criteria provided, single submitter. Criteria: ACMG CNV Guidelines, 2011. Collection method: provider interpretation. Allele origin: maternal.
Comment: Nonsense variants and deletions of SHOX have been reported in individuals with idiopathic short stature and Leri-Weill dyschondrosteosis (Huber et al. 2001; Niesler et al. 2002; Rappold et al. 2002). Partial or complete duplications of SHOX and/or its enhancer regions have also been reported in patients with these conditions (Thomas et al. 2009; Benito-Sanz et al. 2011). Tall stature has also been reported with duplications.

Literature cited by the submitters: PubMed 19533800; PubMed 21147883; PubMed 11889216; PubMed 12402330; PubMed 11403039.

Single allele

Variant type: Duplication.
Identifiers: ClinVar variation 560114 (VCV000560114.3).